The following is an entry in ClinVar:

ClinVar aggregate classification (germline): Pathogenic (1 of 4 stars; one submission).

Conditions:
Hereditary cancer-predisposing syndrome. Also called: Neoplastic Syndromes, Hereditary; Tumor predisposition; Hereditary neoplastic syndrome; Hereditary Cancer Syndrome. Identifiers: Orphanet 140162, MedGen C0027672, MeSH D009386, MONDO:0015356.
Familial thoracic aortic aneurysm and aortic dissection (TAAD). Also called: Thoracic aortic aneurysms and dissections. Identifiers: Orphanet 91387, MedGen C4707243, MONDO:0019625.

Submission:

Ambry Genetics
Classification: Pathogenic for Hereditary cancer-predisposing syndrome; Familial thoracic aortic aneurysm and aortic dissection. Last evaluated: 2024-02-21. Review status: criteria provided, single submitter. Criteria: Ambry Variant Classification Scheme 2023. Collection method: clinical testing. Allele origin: germline.
Comment: The p.C363R pathogenic mutation (also known as c.1087T>C), located in coding exon 8 of the SMAD4 gene, results from a T to C substitution at nucleotide position 1087. The cysteine at codon 363 is replaced by arginine, an amino acid with highly dissimilar properties. This alteration has been reported in cases of hereditary hemorrhagic telangiectasia (HHT) and juvenile polyposis syndrome (JPS), including a de novo occurrence (Aretz S et al. J Med Genet, 2007 Nov;44:702-9; Lux A et al. Orphanet J Rare Dis, 2013 Jun;8:94; Ngeow J et al. Gastroenterology, 2013 Jun;144:1402-9, 1409.e1-5; Ma C et al. Am J Surg Pathol, 2014 Dec;38:1618-26). This variant is also considered to be rare based on population cohorts in the Genome Aggregation Database (gnomAD). This amino acid position is highly conserved in available vertebrate species. In addition, this alteration is predicted to be deleterious by in silico analysis. Based on the supporting evidence, this alteration is interpreted as a disease-causing mutation.

NM_005359.6(SMAD4):c.1087T>C (p.Cys363Arg)

Gene: SMAD4 (SMAD family member 4; plus strand). Cytogenetic location: 18q21.2.
Variant type: single nucleotide variant.
Coding change: c.1087T>C on transcript NM_005359.6 (MANE Select); coding-DNA position 1087, T replaced by C.
Protein change: p.Cys363Arg; replaces cysteine 363 with arginine.
Molecular consequence: missense variant.
Genome position (GRCh38, 1-based): chr18:51,065,554, T>C. VCF-style: chr18-51065554-T-C. GRCh37 (hg19) VCF-style: chr18-48591924-T-C.
Other names: short protein forms C363R.
Identifiers: ClinVar variation 3238385 (VCV003238385.1), dbSNP rs377767348.